The following is an entry in ClinVar:

NM_017534.6(MYH2):c.5301+5G>A

Genes: MYH2 (myosin heavy chain 2; minus strand), MYHAS (myosin heavy chain gene cluster antisense RNA; plus strand). Cytogenetic location: 17p13.1.
Variant type: single nucleotide variant.
Coding change: c.5301+5G>A on transcript NM_017534.6 (MANE Select); 5 bases into the intron after coding-DNA position 5301, G replaced by A.
Molecular consequence: intron variant.
Genome position (GRCh38, 1-based): chr17:10,523,754, C>T on the plus strand (G>A on the coding strand, the complement: MYH2 is on the minus strand). VCF-style: chr17-10523754-C-T. GRCh37 (hg19) VCF-style: chr17-10427071-C-T.
Other names: c.5301+5G>A (NM_001100112.2).
Identifiers: ClinVar variation 4777757 (VCV004777757.1).

ClinVar aggregate classification (germline): Uncertain significance (1 of 4 stars; one submission).

Conditions:
Myopathy, proximal, and ophthalmoplegia (CMYO6). Also called: CONGENITAL MYOPATHY 6 WITH OPHTHALMOPLEGIA; MYOPATHY WITH CONGENITAL JOINT CONTRACTURES, OPHTHALMOPLEGIA, AND RIMMED VACUOLES; INCLUSION BODY MYOPATHY 3, AUTOSOMAL DOMINANT. Identifiers: Orphanet 363677, Orphanet 79091, MedGen C1854106, MONDO:0011577, OMIM 605637.

gnomAD v4.1: 19 of 1,614,266 alleles (0.0012%); highest among the groups gnomAD compares: Non-Finnish European, 0.0016%; no homozygotes.

Submission:

Labcorp Genetics (formerly Invitae), Labcorp
Classification: Uncertain significance for Myopathy, proximal, and ophthalmoplegia. Last evaluated: 2025-06-27. Review status: criteria provided, single submitter. Criteria: Invitae Variant Classification Sherloc (09022015). Collection method: clinical testing. Allele origin: germline.
Comment: This sequence change falls in intron 36 of the MYH2 gene. It does not directly change the encoded amino acid sequence of the MYH2 protein. It affects a nucleotide within the consensus splice site. This variant is not present in population databases (gnomAD no frequency). This variant has not been reported in the literature in individuals affected with MYH2-related conditions. Variants that disrupt the consensus splice site are a relatively common cause of aberrant splicing (PMID: 17576681, 9536098). Algorithms developed to predict the effect of sequence changes on RNA splicing suggest that this variant may disrupt the consensus splice site. In summary, the available evidence is currently insufficient to determine the role of this variant in disease. Therefore, it has been classified as a Variant of Uncertain Significance.

Literature cited by the submitters: PubMed 17576681; PubMed 9536098.